The following is an entry in ClinVar:

NM_006939.4(SOS2):c.1720C>T (p.Arg574Cys)

Gene: SOS2 (SOS Ras/Rho guanine nucleotide exchange factor 2; minus strand). Cytogenetic location: 14q21.3.
Variant type: single nucleotide variant.
Coding change: c.1720C>T on transcript NM_006939.4 (MANE Select); coding-DNA position 1720, C replaced by T.
Protein change: p.Arg574Cys; replaces arginine 574 with cysteine.
Molecular consequence: missense variant.
Genome position (GRCh38, 1-based): chr14:50,159,563, G>A on the plus strand (C>T on the coding strand, the complement: SOS2 is on the minus strand). VCF-style: chr14-50159563-G-A. GRCh37 (hg19) VCF-style: chr14-50626281-G-A.
Other names: c.1621C>T, p.Arg541Cys (NM_001411020.1); short protein forms R541C, R574C.
Identifiers: ClinVar variation 3225956 (VCV003225956.2), dbSNP rs776758961, ClinGen allele CA7177245.

ClinVar aggregate classification (germline): Conflicting classifications of pathogenicity. Review status: criteria provided, conflicting classifications (1 of 4 stars). 2 submissions from 2 submitters: Uncertain significance (1); Likely benign (1). Last evaluated 2025-05-01.

Conditions:
Noonan syndrome 9 (NS9). Identifiers: Orphanet 648, MedGen C4225282, MONDO:0014691, OMIM 616559.
Cardiovascular phenotype. Identifiers: MedGen CN230736.

Allele frequency attached by ClinVar (database versions not stated): gnomAD 0.00001; ExAC 0.00002; TOPMed 0.00002; gnomAD exomes 0.00005.

Submissions (2):

Labcorp Genetics (formerly Invitae), Labcorp
Classification: Likely benign for Noonan syndrome 9. Last evaluated: 2025-05-01. Review status: criteria provided, single submitter. Criteria: Invitae Variant Classification Sherloc (09022015). Collection method: clinical testing. Allele origin: germline.

Ambry Genetics
Classification: Uncertain significance for Cardiovascular phenotype. Last evaluated: 2024-02-17. Review status: criteria provided, single submitter. Criteria: Ambry Variant Classification Scheme 2023. Collection method: clinical testing. Allele origin: germline.
Comment: The p.R574C variant (also known as c.1720C>T), located in coding exon 10 of the SOS2 gene, results from a C to T substitution at nucleotide position 1720. The arginine at codon 574 is replaced by cysteine, an amino acid with highly dissimilar properties. This amino acid position is conserved. In addition, this alteration is predicted to be tolerated by in silico analysis. Based on the available evidence, the clinical significance of this alteration remains unclear.